The following is an entry in ClinVar:

ClinVar aggregate classification (germline): Likely benign. Review status: criteria provided, multiple submitters, no conflicts (2 of 4 stars). 2 submissions from 2 submitters: Likely benign (2). Last evaluated 2026-07-07.

Conditions:
SH3TC2-related disorder. Also called: SH3TC2-related condition; SH3TC2-related disorders. Identifiers: MedGen CN239303.
Charcot-Marie-Tooth disease type 4. Also called: Charcot-Marie-Tooth, Type 4; Charcot-Marie-Tooth disease, type IV. Identifiers: Orphanet 64749, MedGen C4082197, MONDO:0018995.

Allele frequency attached by ClinVar (database versions not stated): ExAC 0.00002; TOPMed 0.00002; gnomAD 0.00001; gnomAD exomes 0.00001.
gnomAD v4.1: 14 of 1,614,050 alleles (0.00087%); highest among the groups gnomAD compares: Admixed American, 0.0083%; no homozygotes.

Submissions (2):

PreventionGenetics, part of Exact Sciences
Classification: Likely benign for SH3TC2-related condition. Last evaluated: 2026-07-07. Review status: criteria provided, single submitter. Criteria: ACMG Guidelines, 2015. Collection method: clinical testing. Allele origin: germline.
Comment: This variant is classified as likely benign based on ACMG/AMP sequence variant interpretation guidelines (Richards et al. 2015 PMID: 25741868, with internal and published modifications).

Labcorp Genetics (formerly Invitae), Labcorp
Classification: Likely benign for Charcot-Marie-Tooth disease type 4. Last evaluated: 2024-01-21. Review status: criteria provided, single submitter. Criteria: Invitae Variant Classification Sherloc (09022015). Collection method: clinical testing. Allele origin: germline.

NM_024577.4(SH3TC2):c.2856G>A (p.Arg952=)

Gene: SH3TC2 (SH3 domain and tetratricopeptide repeats 2; minus strand). Cytogenetic location: 5q32.
Variant type: single nucleotide variant.
Coding change: c.2856G>A on transcript NM_024577.4 (MANE Select); coding-DNA position 2856, G replaced by A.
Protein change: p.Arg952=; no amino-acid change (arginine 952 retained).
Molecular consequence: synonymous variant.
Genome position (GRCh38, 1-based): chr5:149,026,876, C>T on the plus strand (G>A on the coding strand, the complement: SH3TC2 is on the minus strand). VCF-style: chr5-149026876-C-T. GRCh37 (hg19) VCF-style: chr5-148406439-C-T.
Identifiers: ClinVar variation 2974930 (VCV002974930.4), dbSNP rs773084406, ClinGen allele CA3498925.